The following is an entry in ClinVar:

NM_000338.3(SLC12A1):c.2428G>A (p.Val810Met)

Gene: SLC12A1 (solute carrier family 12 member 1; plus strand). Cytogenetic location: 15q21.1.
Variant type: single nucleotide variant.
Coding change: c.2428G>A on transcript NM_000338.3 (MANE Select); coding-DNA position 2428, G replaced by A.
Protein change: p.Val810Met; replaces valine 810 with methionine.
Molecular consequence: missense variant.
Genome position (GRCh38, 1-based): chr15:48,274,596, G>A. VCF-style: chr15-48274596-G-A. GRCh37 (hg19) VCF-style: chr15-48566793-G-A.
Other names: c.2428G>A, p.Val810Met (NM_001184832.2, NM_001384136.1); short protein forms V810M.
Identifiers: ClinVar variation 2473170 (VCV002473170.5), dbSNP rs751009620, ClinGen allele CA7547399.

ClinVar aggregate classification (germline): Uncertain significance. Review status: criteria provided, multiple submitters, no conflicts (2 of 4 stars). 3 submissions from 3 submitters: Uncertain significance (3). Last evaluated 2025-08-04.

Conditions:
Inborn genetic diseases. Identifiers: MedGen C0950123, MeSH D030342.
Bartter disease type 1. Also called: HYPERPROSTAGLANDIN E SYNDROME 1; Bartter Syndrome type 1; Bartter syndrome, type 1, antenatal; HYPOKALEMIC ALKALOSIS WITH HYPERCALCIURIA 1, ANTENATAL. Identifiers: Orphanet 112, Orphanet 620217, MedGen C1866495, MONDO:0100344, OMIM 601678, MONDO:0011127.

Allele frequency attached by ClinVar (database versions not stated): ExAC 0.00001; gnomAD exomes 0.00002; gnomAD 0.00003; TOPMed 0.00003.
gnomAD v4.1: 35 of 1,612,834 alleles (0.0022%); highest among the groups gnomAD compares: African/African-American, 0.0067%; no homozygotes.

Submissions (3):

Ambry Genetics
Classification: Uncertain significance for Inborn genetic diseases. Last evaluated: 2025-08-04. Review status: criteria provided, single submitter. Criteria: Ambry Variant Classification Scheme 2023. Collection method: clinical testing. Allele origin: germline.

GeneDx
Classification: Uncertain significance. Last evaluated: 2025-07-09. Review status: criteria provided, single submitter. Criteria: GeneDx Variant Classification Process June 2021. Collection method: clinical testing. Allele origin: germline. Affected: yes.
Comment: In silico analysis suggests that this missense variant does not alter protein structure/function; Has not been previously published as pathogenic or benign to our knowledge

Fulgent Genetics
Classification: Uncertain significance for Bartter disease type 1. Last evaluated: 2024-05-30. Review status: criteria provided, single submitter. Criteria: ACMG Guidelines, 2015. Collection method: clinical testing. Allele origin: germline.